The following is an entry in ClinVar:

NM_000038.6(APC):c.1958+729C>A

Gene: APC (APC regulator of WNT signaling pathway; plus strand). Cytogenetic location: 5q22.2.
Variant type: single nucleotide variant.
Coding change: c.1958+729C>A on transcript NM_000038.6 (MANE Select); 729 bases into the intron after coding-DNA position 1958, C replaced by A.
Molecular consequence: intron variant.
Genome position (GRCh38, 1-based): chr5:112,835,894, C>A. VCF-style: chr5-112835894-C-A. GRCh37 (hg19) VCF-style: chr5-112171591-C-A.
Other names: c.1958+729C>A (NM_001354895.2, NM_001127510.3); c.1988+729C>A (NM_001354897.2); c.1685+729C>A (NM_001354902.2); c.1904+729C>A (NM_001127511.3); c.1883+729C>A (NM_001354898.2); c.1580+729C>A (NM_001354904.2); c.1109+729C>A (NM_001354906.2); c.2012+729C>A (NM_001354896.2); and 5 more.
Identifiers: ClinVar variation 83219 (VCV000083219.2), dbSNP rs79086002, ClinGen allele CA006715.

ClinVar aggregate classification (germline): other (0 of 4 stars; one submission).

Conditions:
Familial colorectal cancer. Identifiers: MedGen CN280943, MONDO:0023113. Disease mechanism: loss of function.

Submission:

Systems Biology Platform Zhejiang California International NanoSystems Institute
Classification: other for Familial colorectal cancer. Review status: no assertion criteria provided. Collection method: not provided. Allele origin: unknown.
ClinVar note: Converted during submission from cancer to other.